The following is an entry in ClinVar:

NM_000489.6(ATRX):c.3170A>G (p.Lys1057Arg)

Gene: ATRX (ATRX chromatin remodeler; minus strand). Cytogenetic location: Xq21.1.
Variant type: single nucleotide variant.
Coding change: c.3170A>G on transcript NM_000489.6 (MANE Select); coding-DNA position 3170, A replaced by G.
Protein change: p.Lys1057Arg; replaces lysine 1057 with arginine.
Molecular consequence: missense variant.
Genome position (GRCh38, 1-based): chrX:77,682,086, T>C on the plus strand (A>G on the coding strand, the complement: ATRX is on the minus strand). VCF-style: chrX-77682086-T-C. GRCh37 (hg19) VCF-style: chrX-76937578-T-C.
Other names: c.3056A>G, p.Lys1019Arg (NM_138270.5); short protein forms K1019R, K1057R.
Identifiers: ClinVar variation 2637110 (VCV002637110.1), dbSNP rs2071238285, ClinGen allele CA413707521.

ClinVar aggregate classification (germline): Uncertain significance (1 of 4 stars; one submission).

Conditions:
ATRX-related disorder. Also called: ATRX-related condition.

Submission:

PreventionGenetics, part of Exact Sciences
Classification: Uncertain significance for ATRX-related condition. Last evaluated: 2022-09-09. Review status: criteria provided, single submitter. Criteria: ACMG Guidelines, 2015. Collection method: clinical testing. Allele origin: germline.
Comment: The ATRX c.3170A>G variant is predicted to result in the amino acid substitution p.Lys1057Arg. To our knowledge, this variant has not been reported in the literature or in a large population database, indicating this variant is rare. At this time, the clinical significance of this variant is uncertain due to the absence of conclusive functional and genetic evidence.